The following is an entry in ClinVar:

ClinVar aggregate classification (germline): Uncertain significance (1 of 4 stars; one submission).

Submission:

GeneDx
Classification: Uncertain significance. Last evaluated: 2023-10-10. Review status: criteria provided, single submitter. Criteria: GeneDx Variant Classification Process June 2021. Collection method: clinical testing. Allele origin: germline. Affected: yes.
Comment: Not observed at significant frequency in large population cohorts (gnomAD); In silico analysis supports that this missense variant does not alter protein structure/function; Has not been previously published as pathogenic or benign to our knowledge; This variant is associated with the following publications: (PMID: 34285244)

NM_014991.6(WDFY3):c.9126C>G (p.Ile3042Met)

Genes: WDFY3 (WD repeat and FYVE domain containing 3; minus strand), LOC126807101 (CDK7 strongly-dependent group 2 enhancer GRCh37_chr4:85612241-85613440; plus strand). Cytogenetic location: 4q21.23.
Variant type: single nucleotide variant.
Coding change: c.9126C>G on transcript NM_014991.6 (MANE Select); coding-DNA position 9126, C replaced by G.
Protein change: p.Ile3042Met; replaces isoleucine 3042 with methionine.
Molecular consequence: missense variant.
Genome position (GRCh38, 1-based): chr4:84,691,709, G>C on the plus strand (C>G on the coding strand, the complement: WDFY3 is on the minus strand). VCF-style: chr4-84691709-G-C. GRCh37 (hg19) VCF-style: chr4-85612862-G-C.
Other names: short protein forms I3042M.
Identifiers: ClinVar variation 2663275 (VCV002663275.1), dbSNP rs2530773923, ClinGen allele CA357537626.
Genomic context (GRCh38, chr4:84,691,709, plus strand): 5'-TCCCAGTCTGCAACTGAGGTCTGCATAGCCCCAAGCAAAAGTTTTATTCCAGGTTGGTGG[G>C]ATAAGAACCTTATTCTGTTCCACCGCAAGAATACCTTTATCTGTACATACGATTTGTCCT-3'
Protein context (NP_055806.2, residues 3032-3052): ILAVEQNKVL[Ile3042Met]PPTWNKTFAW